The following is an entry in ClinVar:

ClinVar aggregate classification (germline): Uncertain significance. Review status: criteria provided, multiple submitters, no conflicts (2 of 4 stars). 2 submissions from 2 submitters: Uncertain significance (2). Last evaluated 2024-06-18.

Conditions:
Early-infantile DEE. Also called: Early infantile epileptic encephalopathy with suppression bursts; Ohtahara syndrome; Early infantile epileptic encephalopathy. Identifiers: Orphanet 1934, MedGen C0393706, MONDO:0800491.

Submissions (2):

GeneDx
Classification: Uncertain significance. Last evaluated: 2024-06-18. Review status: criteria provided, single submitter. Criteria: GeneDx Variant Classification Process June 2021. Collection method: clinical testing. Allele origin: germline. Affected: yes.
Comment: Not observed at significant frequency in large population cohorts (gnomAD); In silico analysis indicates that this missense variant does not alter protein structure/function; Has not been previously published as pathogenic or benign to our knowledge; This substitution is predicted to be within the transmembrane segment S1

Labcorp Genetics (formerly Invitae), Labcorp
Classification: Uncertain significance for Early-infantile DEE. Last evaluated: 2021-01-14. Review status: criteria provided, single submitter. Criteria: Invitae Variant Classification Sherloc (09022015). Collection method: clinical testing. Allele origin: germline.
Comment: In summary, the available evidence is currently insufficient to determine the role of this variant in disease. Therefore, it has been classified as a Variant of Uncertain Significance. Algorithms developed to predict the effect of missense changes on protein structure and function do not agree on the potential impact of this missense change (SIFT: "Deleterious"; PolyPhen-2: "Benign"; Align-GVGD: "Class C25"). This variant has not been reported in the literature in individuals with KCNQ2-related disease. ClinVar contains an entry for this variant (Variation ID: 450514). This variant is not present in population databases (ExAC no frequency). This sequence change replaces valine with isoleucine at codon 103 of the KCNQ2 protein (p.Val103Ile). The valine residue is highly conserved and there is a small physicochemical difference between valine and isoleucine.

NM_172107.4(KCNQ2):c.307G>A (p.Val103Ile)

Gene: KCNQ2 (potassium voltage-gated channel subfamily Q member 2; minus strand). Cytogenetic location: 20q13.33.
Variant type: single nucleotide variant.
Coding change: c.307G>A on transcript NM_172107.4 (MANE Select); coding-DNA position 307, G replaced by A.
Protein change: p.Val103Ile; replaces valine 103 with isoleucine.
Molecular consequence: missense variant.
Genome position (GRCh38, 1-based): chr20:63,446,827, C>T on the plus strand (G>A on the coding strand, the complement: KCNQ2 is on the minus strand). VCF-style: chr20-63446827-C-T. GRCh37 (hg19) VCF-style: chr20-62078180-C-T.
Other names: c.307G>A, p.Val103Ile (NM_004518.6, NM_172106.3, NM_172108.5 and 1 more transcripts); short protein forms V103I.
Identifiers: ClinVar variation 450514 (VCV000450514.13), dbSNP rs1555874588, ClinGen allele CA409656562.